The following is an entry in ClinVar:

ClinVar aggregate classification (germline): Pathogenic (1 of 4 stars; one submission).

Conditions:
Alagille syndrome due to a JAG1 point mutation. Also called: HEPATIC DUCTULAR HYPOPLASIA, SYNDROMATIC; JAG1-Related Alagille Syndrome; Alagille Syndrome 1. Identifiers: Orphanet 261619, Orphanet 52, MedGen C1956125, MONDO:0016862, OMIM 118450.

Submission:

Labcorp Genetics (formerly Invitae), Labcorp
Classification: Pathogenic for Alagille syndrome due to a JAG1 point mutation. Last evaluated: 2020-02-14. Review status: criteria provided, single submitter. Criteria: Invitae Variant Classification Sherloc (09022015). Collection method: clinical testing. Allele origin: germline.
Comment: Loss-of-function variants in JAG1 are known to be pathogenic (PMID: 11180599). For these reasons, this variant has been classified as Pathogenic. This variant has not been reported in the literature in individuals with JAG1-related conditions. This variant is not present in population databases (ExAC no frequency). This sequence change creates a premature translational stop signal (p.Glu228*) in the JAG1 gene. It is expected to result in an absent or disrupted protein product.

Literature cited by the submitters: PubMed 11180599.

NM_000214.3(JAG1):c.682G>T (p.Glu228Ter)

Gene: JAG1 (jagged canonical Notch ligand 1; minus strand). Cytogenetic location: 20p12.2.
Variant type: single nucleotide variant.
Coding change: c.682G>T on transcript NM_000214.3 (MANE Select); coding-DNA position 682, G replaced by T.
Protein change: p.Glu228Ter; replaces glutamic acid 228 with a stop codon.
Molecular consequence: nonsense.
Genome position (GRCh38, 1-based): chr20:10,658,480, C>A on the plus strand (G>T on the coding strand, the complement: JAG1 is on the minus strand). VCF-style: chr20-10658480-C-A. GRCh37 (hg19) VCF-style: chr20-10639128-C-A.
Other names: short protein forms E228*.
Identifiers: ClinVar variation 1074995 (VCV001074995.7), dbSNP rs1286744339, ClinGen allele CA408239911.